The following is an entry in ClinVar:

NM_152328.5(ADSS1):c.193-4902A>G

Gene: ADSS1 (adenylosuccinate synthase 1; plus strand). Cytogenetic location: 14q32.33.
Variant type: single nucleotide variant.
Coding change: c.193-4902A>G on transcript NM_152328.5 (MANE Select); 4902 bases into the intron before coding-DNA position 193, A replaced by G.
Molecular consequence: intron variant. On other transcripts: 5 prime UTR variant (1), missense variant (1).
Genome position (GRCh38, 1-based): chr14:104,730,118, A>G. VCF-style: chr14-104730118-A-G. GRCh37 (hg19) VCF-style: chr14-105196455-A-G.
Other names: c.-502A>G (NM_001320424.1); c.226A>G, p.Arg76Gly (NM_199165.2); short protein forms R76G.
Identifiers: ClinVar variation 1963825 (VCV001963825.5), dbSNP rs1463262218, ClinGen allele CA391232994.

ClinVar aggregate classification (germline): Uncertain significance (1 of 4 stars; one submission).

Allele frequency attached by ClinVar (database versions not stated): gnomAD exomes below 0.00001; gnomAD 0.00001; TOPMed 0.00001.
gnomAD v4.1: 5 of 1,548,118 alleles (0.00032%); highest among the groups gnomAD compares: Non-Finnish European, 0.00044%; no homozygotes.

Submission:

Labcorp Genetics (formerly Invitae), Labcorp
Classification: Uncertain significance. Last evaluated: 2022-03-23. Review status: criteria provided, single submitter. Criteria: Invitae Variant Classification Sherloc (09022015). Collection method: clinical testing. Allele origin: germline.
Comment: In summary, the available evidence is currently insufficient to determine the role of this variant in disease. Therefore, it has been classified as a Variant of Uncertain Significance. Algorithms developed to predict the effect of missense changes on protein structure and function output the following: SIFT: "Not Available"; PolyPhen-2: "Benign"; Align-GVGD: "Not Available". The glycine amino acid residue is found in multiple mammalian species, which suggests that this missense change does not adversely affect protein function. This variant has not been reported in the literature in individuals affected with ADSSL1-related conditions. This variant is not present in population databases (gnomAD no frequency). This sequence change replaces arginine, which is basic and polar, with glycine, which is neutral and non-polar, at codon 76 of the ADSSL1 protein (p.Arg76Gly).